The following is an entry in ClinVar:

NM_001044385.3(TMEM237):c.325C>T (p.Arg109Ter)

Gene: TMEM237 (transmembrane protein 237; minus strand). Cytogenetic location: 2q33.1.
Variant type: single nucleotide variant.
Coding change: c.325C>T on transcript NM_001044385.3 (MANE Select); coding-DNA position 325, C replaced by T.
Protein change: p.Arg109Ter; replaces arginine 109 with a stop codon.
Molecular consequence: nonsense.
Genome position (GRCh38, 1-based): chr2:201,633,381, G>A on the plus strand (C>T on the coding strand, the complement: TMEM237 is on the minus strand). VCF-style: chr2-201633381-G-A. GRCh37 (hg19) VCF-style: chr2-202498104-G-A.
Other names: c.301C>T, p.Arg101Ter (NM_152388.4); short protein forms R101*, R109*.
Identifiers: ClinVar variation 1403232 (VCV001403232.11), dbSNP rs565778005, ClinGen allele CA2056517.

ClinVar aggregate classification (germline): Pathogenic. Review status: criteria provided, multiple submitters, no conflicts (2 of 4 stars). 3 submissions from 3 submitters: Pathogenic (3). Last evaluated 2026-01-14.

Conditions:
TMEM237-related disorder. Also called: TMEM237-related condition.
Joubert syndrome 14 (JBTS14). Identifiers: MedGen C3280766, MONDO:0013745, OMIM 614424.

Allele frequency attached by ClinVar (database versions not stated): gnomAD 0.00001; gnomAD exomes 0.00001; TOPMed 0.00002; ExAC 0.00007; 1000 Genomes Project 30x 0.00016; 1000 Genomes Project 0.00020.
gnomAD v4.1: 12 of 1,585,492 alleles (0.00076%); highest among the groups gnomAD compares: East Asian, 0.0046%; no homozygotes.

Submissions (3):

Labcorp Genetics (formerly Invitae), Labcorp
Classification: Pathogenic for Joubert syndrome 14. Last evaluated: 2026-01-14. Review status: criteria provided, single submitter. Criteria: Invitae Variant Classification Sherloc (09022015). Collection method: clinical testing. Allele origin: germline.
Comment: This sequence change creates a premature translational stop signal (p.Arg109*) in the TMEM237 gene. It is expected to result in an absent or disrupted protein product. Loss-of-function variants in TMEM237 are known to be pathogenic (PMID: 22152675). The frequency data for this variant in the population databases is considered unreliable, as metrics indicate poor data quality at this position in the gnomAD database. This premature translational stop signal has been observed in individual(s) with Meckel-Gruber syndrome (PMID: 28600779). ClinVar contains an entry for this variant (Variation ID: 1403232). For these reasons, this variant has been classified as Pathogenic.

Blueprint Genetics
Classification: Pathogenic for TMEM237-related disorders. Last evaluated: 2024-06-06. Review status: criteria provided, single submitter. Criteria: ACMG Guidelines, 2015. Collection method: clinical testing. Allele origin: germline. Affected: yes. Observed: 3 variant alleles.

Juno Genomics, Hangzhou Juno Genomics, Inc
Classification: Pathogenic for Joubert syndrome 14. Review status: criteria provided, single submitter. Criteria: ACMG Guidelines, 2015. Collection method: clinical testing. Allele origin: germline.
Comment: Absent from controls (or at extremely low frequency if recessive) in Genome Aggregation Database.;Null variant in a gene where loss of function (LOF) is a known mechanism of disease.;For recessive disorders, detected in trans with a pathogenic variant.

Literature cited by the submitters: PubMed 22152675 (cited by Labcorp Genetics (formerly Invitae), Labcorp); PubMed 28600779 (cited by Labcorp Genetics (formerly Invitae), Labcorp).